The following is an entry in ClinVar:

NM_145064.3(STAC3):c.181TAC[1] (p.Tyr62del)

Gene: STAC3 (SH3 and cysteine rich domain 3; minus strand). Cytogenetic location: 12q13.3.
Variant type: Microsatellite.
Coding change: c.181TAC[1] on transcript NM_145064.3 (MANE Select); one copy of the 3-base unit TAC starting at c.181; the reference has two copies in a row; one copy, 3 bases deleted.
Protein change: p.Tyr62del; deletes tyrosine 62.
Molecular consequence: inframe deletion. On other transcripts: intron variant (1).
Genome position (GRCh38, 1-based): chr12:57,249,189-57,249,191, GTA deleted on the plus strand (TAC on the coding strand, the reverse complement: STAC3 is on the minus strand); deleting any 3 consecutive bases within chr12:57,249,189-57,249,195 gives the same sequence; the position shown is the placement nearest the transcript's 3' end. VCF-style (leftmost placement, unchanged base first): chr12-57249188-TGTA-T. GRCh37 (hg19) VCF-style: chr12-57642971-TGTA-T.
Other names: c.64TAC[1], p.Tyr23del (NM_001286256.2); c.-126-993_-126-991del (NM_001286257.2); short protein forms Y23del, Y62del.
Identifiers: ClinVar variation 1045189 (VCV001045189.9), dbSNP rs2037839479, ClinGen allele CA2038793798.

ClinVar aggregate classification (germline): Uncertain significance (1 of 4 stars; one submission).

Conditions:
Bailey-Bloch congenital myopathy (CMYO13). Also called: Congenital myopathy 13; Native American myopathy; STAC3 disorder. Identifiers: Orphanet 168572, MedGen C1850625, MONDO:0009722, OMIM 255995.

Submission:

Labcorp Genetics (formerly Invitae), Labcorp
Classification: Uncertain significance for Bailey-Bloch congenital myopathy. Last evaluated: 2020-06-21. Review status: criteria provided, single submitter. Criteria: Invitae Variant Classification Sherloc (09022015). Collection method: clinical testing. Allele origin: germline.
Comment: This variant, c.184_186del, results in the deletion of 1 amino acid(s) of the STAC3 protein (p.Tyr62del), but otherwise preserves the integrity of the reading frame. This variant is not present in population databases (ExAC no frequency). This variant has not been reported in the literature in individuals with STAC3-related conditions. Experimental studies and prediction algorithms are not available or were not evaluated, and the functional significance of this variant is currently unknown. In summary, the available evidence is currently insufficient to determine the role of this variant in disease. Therefore, it has been classified as a Variant of Uncertain Significance.